The following is an entry in ClinVar:

ClinVar aggregate classification (germline): Uncertain significance (1 of 4 stars; one submission).

Submission:

Ambry Genetics
Classification: Uncertain significance. Last evaluated: 2025-12-17. Review status: criteria provided, single submitter. Criteria: Ambry Variant Classification Scheme 2023. Collection method: clinical testing. Allele origin: germline.
Comment: The p.N361H variant (also known as c.1081A>C), located in coding exon 5 of the PALLD gene, results from an A to C substitution at nucleotide position 1081. The asparagine at codon 361 is replaced by histidine, an amino acid with similar properties. This amino acid position is conserved. In addition, the in silico prediction for this alteration is inconclusive. Based on the available evidence, the clinical significance of this variant remains unclear.

NM_001166108.2(PALLD):c.2593A>C (p.Asn865His)

Genes: CBR4 (carbonyl reductase 4; minus strand), PALLD (palladin, cytoskeletal associated protein; plus strand). Cytogenetic location: 4q32.3.
Variant type: single nucleotide variant.
Coding change: c.2593A>C on transcript NM_001166108.2 (MANE Select); coding-DNA position 2593, A replaced by C.
Protein change: p.Asn865His; replaces asparagine 865 with histidine.
Molecular consequence: missense variant.
Genome position (GRCh38, 1-based): chr4:168,903,877, A>C. VCF-style: chr4-168903877-A-C. GRCh37 (hg19) VCF-style: chr4-169825028-A-C.
Other names: c.1396A>C, p.Asn466His (NM_001166109.2); c.1081A>C, p.Asn361His (NM_001166110.2); c.421A>C, p.Asn141His (NM_001367567.1, NM_001367569.1); c.472A>C, p.Asn158His (NM_001367568.1, NM_001367570.1); c.2542A>C, p.Asn848His (NM_016081.4); short protein forms N141H, N158H, N361H, N848H, N466H, N865H.
Identifiers: ClinVar variation 4841851 (VCV004841851.1).
Genomic context (GRCh38, chr4:168,903,877, plus strand): 5'-AGAGATCTCGATGGGACCTGCTCCCTCCATACCACAGCCTCCACCCTAGATGATGATGGG[A>C]ATTATACAATTATGGCTGCAAACCCTCAGGTAAAGAAGGGTATAGGTCTGGGCTCAGTTC-3'
Protein context (NP_001159580.1, residues 855-875): TTASTLDDDG[Asn865His]YTIMAANPQG